The following is an entry in ClinVar:

NM_001144967.3(NEDD4L):c.1037C>T (p.Ala346Val)

Gene: NEDD4L (NEDD4 like E3 ubiquitin protein ligase; plus strand). Cytogenetic location: 18q21.31.
Variant type: single nucleotide variant.
Coding change: c.1037C>T on transcript NM_001144967.3 (MANE Select); coding-DNA position 1037, C replaced by T.
Protein change: p.Ala346Val; replaces alanine 346 with valine.
Molecular consequence: missense variant.
Genome position (GRCh38, 1-based): chr18:58,333,864, C>T. VCF-style: chr18-58333864-C-T. GRCh37 (hg19) VCF-style: chr18-56001096-C-T.
Other names: c.674C>T, p.Ala225Val (NM_001144964.1, NM_001144965.2, NM_001144966.3 and 2 more transcripts); c.1013C>T, p.Ala338Val (NM_001144968.2, NM_001144969.2); c.1037C>T, p.Ala346Val (NM_001243960.2, NM_015277.6); short protein forms A346V, A338V, A225V.
Identifiers: ClinVar variation 853907 (VCV000853907.9), dbSNP rs763389898, ClinGen allele CA8975546.

ClinVar aggregate classification (germline): Uncertain significance (1 of 4 stars; one submission).

Allele frequency attached by ClinVar (database versions not stated): gnomAD exomes below 0.00001; ExAC 0.00001.
gnomAD v4.1: 3 of 1,613,776 alleles (0.00019%); highest among the groups gnomAD compares: Middle Eastern, 0.016%; no homozygotes.

Submission:

Labcorp Genetics (formerly Invitae), Labcorp
Classification: Uncertain significance. Last evaluated: 2023-10-29. Review status: criteria provided, single submitter. Criteria: Invitae Variant Classification Sherloc (09022015). Collection method: clinical testing. Allele origin: germline.
Comment: This sequence change replaces alanine, which is neutral and non-polar, with valine, which is neutral and non-polar, at codon 346 of the NEDD4L protein (p.Ala346Val). This variant is present in population databases (rs763389898, gnomAD 0.0009%). This variant has not been reported in the literature in individuals affected with NEDD4L-related conditions. ClinVar contains an entry for this variant (Variation ID: 853907). Advanced modeling of protein sequence and biophysical properties (such as structural, functional, and spatial information, amino acid conservation, physicochemical variation, residue mobility, and thermodynamic stability) performed at Invitae indicates that this missense variant is not expected to disrupt NEDD4L protein function with a negative predictive value of 80%. In summary, the available evidence is currently insufficient to determine the role of this variant in disease. Therefore, it has been classified as a Variant of Uncertain Significance.